The following is an entry in ClinVar:

ClinVar aggregate classification (germline): Likely pathogenic. Review status: criteria provided, multiple submitters, no conflicts (2 of 4 stars). 2 submissions from 2 submitters: Likely pathogenic (2). Last evaluated 2026-04-04.

Conditions:
Senior-Loken syndrome 8 (SLSN8). Identifiers: Orphanet 3156, MedGen C4225376, MONDO:0014579, OMIM 616307.
Asphyxiating thoracic dystrophy 5 (SRTD5). Also called: SHORT-RIB THORACIC DYSPLASIA 5 WITH OR WITHOUT POLYDACTYLY; SHORT-RIB THORACIC DYSPLASIA 5 WITHOUT POLYDACTYLY. Identifiers: Orphanet 474, MedGen C3280598, MONDO:0013717, OMIM 614376.

Allele frequency attached by ClinVar (database versions not stated): gnomAD exomes below 0.00001.
gnomAD v4.1: 1 of 1,613,574 alleles (0.000062%); highest among the groups gnomAD compares: South Asian, 0.0011%; no homozygotes.

Submissions (2):

GeneDx
Classification: Likely pathogenic. Last evaluated: 2026-04-04. Review status: criteria provided, single submitter. Criteria: GeneDx Variant Classification Process June 2021. Collection method: clinical testing. Allele origin: germline.
Comment: Canonical splice site variant predicted to result in a null allele in a gene for which loss of function is a known mechanism of disease; Not observed at significant frequency in large population cohorts (gnomAD); Has not been previously published as pathogenic or benign to our knowledge

Labcorp Genetics (formerly Invitae), Labcorp
Classification: Likely pathogenic for Senior-Loken syndrome 8; Asphyxiating thoracic dystrophy 5. Last evaluated: 2022-07-05. Review status: criteria provided, single submitter. Criteria: Invitae Variant Classification Sherloc (09022015). Collection method: clinical testing. Allele origin: germline.
Comment: In summary, the currently available evidence indicates that the variant is pathogenic, but additional data are needed to prove that conclusively. Therefore, this variant has been classified as Likely Pathogenic. Algorithms developed to predict the effect of sequence changes on RNA splicing suggest that this variant may disrupt the consensus splice site. ClinVar contains an entry for this variant (Variation ID: 1514956). This variant has not been reported in the literature in individuals affected with WDR19-related conditions. This variant is not present in population databases (gnomAD no frequency). This sequence change affects an acceptor splice site in intron 16 of the WDR19 gene. It is expected to disrupt RNA splicing. Variants that disrupt the donor or acceptor splice site typically lead to a loss of protein function (PMID: 16199547), and loss-of-function variants in WDR19 are known to be pathogenic (PMID: 22019273, 23559409, 23683095, 26275793, 27241786, 29068549).

Literature cited by the submitters: PubMed 16199547 (cited by Labcorp Genetics (formerly Invitae), Labcorp); PubMed 22019273 (cited by Labcorp Genetics (formerly Invitae), Labcorp); PubMed 23559409 (cited by Labcorp Genetics (formerly Invitae), Labcorp); PubMed 23683095 (cited by Labcorp Genetics (formerly Invitae), Labcorp); PubMed 26275793 (cited by Labcorp Genetics (formerly Invitae), Labcorp); PubMed 27241786 (cited by Labcorp Genetics (formerly Invitae), Labcorp); PubMed 29068549 (cited by Labcorp Genetics (formerly Invitae), Labcorp).

NM_025132.4(WDR19):c.1778-2A>C

Gene: WDR19 (WD repeat domain 19; plus strand). Cytogenetic location: 4p14.
Variant type: single nucleotide variant.
Coding change: c.1778-2A>C on transcript NM_025132.4 (MANE Select); the canonical splice acceptor site of the intron before coding-DNA position 1778, A replaced by C.
Molecular consequence: splice acceptor variant.
Genome position (GRCh38, 1-based): chr4:39,228,484, A>C. VCF-style: chr4-39228484-A-C. GRCh37 (hg19) VCF-style: chr4-39230104-A-C.
Other names: c.1298-2A>C (NM_001317924.2).
Identifiers: ClinVar variation 1514956 (VCV001514956.9), dbSNP rs1730514795, ClinGen allele CA356632893.